The following is an entry in ClinVar:

ClinVar aggregate classification (germline): Uncertain significance. Review status: criteria provided, multiple submitters, no conflicts (2 of 4 stars). 4 submissions from 4 submitters: Uncertain significance (4). Last evaluated 2026-08-11.

Conditions:
Retinitis pigmentosa 71 (RP71). Identifiers: Orphanet 791, MedGen C4225342, MONDO:0014618, OMIM 616394.
Short-rib thoracic dysplasia 10 with or without polydactyly (SRTD10). Identifiers: Orphanet 474, MedGen C3810175, MONDO:0014284, OMIM 615630.
IFT172-related disorder. Also called: IFT172-related disorders; IFT172-related condition.

Allele frequency attached by ClinVar (database versions not stated): gnomAD exomes below 0.00001 and 0.00001; TOPMed below 0.00001; ExAC 0.00001.

Submissions (4):

PreventionGenetics, part of Exact Sciences
Classification: Uncertain significance for IFT172-related condition. Last evaluated: 2026-08-11. Review status: criteria provided, single submitter. Criteria: ACMG Guidelines, 2015. Collection method: clinical testing. Allele origin: germline.
Comment: The IFT172 c.3448A>G variant is predicted to result in the amino acid substitution p.Met1150Val. To our knowledge, this variant has not been reported in the literature. This variant is reported in 1 allele out of 251452 alleles in gnomAD. At this time, the clinical significance of this variant is uncertain due to the absence of conclusive functional and genetic evidence.

Labcorp Genetics (formerly Invitae), Labcorp
Classification: Uncertain significance for Retinitis pigmentosa 71; Short-rib thoracic dysplasia 10 with or without polydactyly. Last evaluated: 2025-03-10. Review status: criteria provided, single submitter. Criteria: Invitae Variant Classification Sherloc (09022015). Collection method: clinical testing. Allele origin: germline.
Comment: This sequence change replaces methionine, which is neutral and non-polar, with valine, which is neutral and non-polar, at codon 1150 of the IFT172 protein (p.Met1150Val). This variant is present in population databases (rs769882549, gnomAD no frequency). This variant has not been reported in the literature in individuals affected with IFT172-related conditions. ClinVar contains an entry for this variant (Variation ID: 1060519). Invitae Evidence Modeling of protein sequence and biophysical properties (such as structural, functional, and spatial information, amino acid conservation, physicochemical variation, residue mobility, and thermodynamic stability) indicates that this missense variant is not expected to disrupt IFT172 protein function with a negative predictive value of 95%. In summary, the available evidence is currently insufficient to determine the role of this variant in disease. Therefore, it has been classified as a Variant of Uncertain Significance.

Blueprint Genetics
Classification: Uncertain significance. Last evaluated: 2024-06-11. Review status: criteria provided, single submitter. Criteria: ACMG Guidelines, 2015. Collection method: clinical testing. Allele origin: germline.

GeneDx
Classification: Uncertain significance. Last evaluated: 2022-12-05. Review status: criteria provided, single submitter. Criteria: GeneDx Variant Classification Process June 2021. Collection method: clinical testing. Allele origin: germline. Affected: yes.
Comment: Not observed at significant frequency in large population cohorts (gnomAD); In silico analysis supports that this missense variant has a deleterious effect on protein structure/function; Has not been previously published as pathogenic or benign to our knowledge

NM_015662.3(IFT172):c.3448A>G (p.Met1150Val)

Gene: IFT172 (intraflagellar transport 172; minus strand). Cytogenetic location: 2p23.3.
Variant type: single nucleotide variant.
Coding change: c.3448A>G on transcript NM_015662.3 (MANE Select); coding-DNA position 3448, A replaced by G.
Protein change: p.Met1150Val; replaces methionine 1150 with valine.
Molecular consequence: missense variant.
Genome position (GRCh38, 1-based): chr2:27,454,584, T>C on the plus strand (A>G on the coding strand, the complement: IFT172 is on the minus strand). VCF-style: chr2-27454584-T-C. GRCh37 (hg19) VCF-style: chr2-27677451-T-C.
Other names: c.3448A>G (NM_015662.2); short protein forms M1150V.
Identifiers: ClinVar variation 1060519 (VCV001060519.11), dbSNP rs769882549, ClinGen allele CA1579986.
Genomic context (GRCh38, chr2:27,454,584, plus strand): 5'-GAATAAGAGGGCTCTGCGGTCGGGGTCCAAATCACACCCATACCTCATCCTCCAGGAACA[T>C]AGCATATTTGAGATGAACCTCGGGGGTTTTGTGCTTGAGGGCCAGCCGAGAGAGTTCAAA-3'
Protein context (NP_056477.1, residues 1140-1160): KTPEVHLKYA[Met1150Val]FLEDEGKFEE